The following is an entry in ClinVar:

NM_006570.5(RRAGA):c.909G>C (p.Val303=)

Gene: RRAGA (Ras related GTP binding A; plus strand). Cytogenetic location: 9p22.1.
Variant type: single nucleotide variant.
Coding change: c.909G>C on transcript NM_006570.5 (MANE Select); coding-DNA position 909, G replaced by C.
Protein change: p.Val303=; no amino-acid change (valine 303 retained).
Molecular consequence: synonymous variant.
Genome position (GRCh38, 1-based): chr9:19,050,568, G>C. VCF-style: chr9-19050568-G-C. GRCh37 (hg19) VCF-style: chr9-19050566-G-C.
Identifiers: ClinVar variation 682035 (VCV000682035.1), dbSNP rs144684784, ClinGen allele CA5001053.

ClinVar aggregate classification (germline): Likely benign (1 of 4 stars; one submission).

Allele frequency attached by ClinVar (database versions not stated): 1000 Genomes Project 30x 0.00016; 1000 Genomes Project 0.00020; ESP Exome Variant Server 0.00023; gnomAD 0.00029; ExAC 0.00040; gnomAD exomes 0.00043; TOPMed 0.00059.

Submission:

GeneDx
Classification: Likely benign. Last evaluated: 2018-04-12. Review status: criteria provided, single submitter. Criteria: GeneDx Variant Classification (06012015). Collection method: clinical testing. Allele origin: germline. Affected: yes.
Comment: This variant is considered likely benign or benign based on one or more of the following criteria: it is a conservative change, it occurs at a poorly conserved position in the protein, it is predicted to be benign by multiple in silico algorithms, and/or has population frequency not consistent with disease.